The following is an entry in ClinVar:

NM_015450.3(POT1):c.172dup (p.Thr58fs)

Gene: POT1 (protection of telomeres 1; minus strand). Cytogenetic location: 7q31.33.
Variant type: Duplication.
Coding change: c.172dup on transcript NM_015450.3 (MANE Select); coding-DNA position 172, one base duplicated (A; older notation c.172dupA).
Protein change: p.Thr58fs; shifts the reading frame from threonine 58.
Molecular consequence: frameshift variant. On other transcripts: non-coding transcript variant (3), intron variant (1).
Genome position (GRCh38, 1-based): chr7:124,870,994, T duplicated on the plus strand (A on the coding strand, the reverse complement: POT1 is on the minus strand); the first of 2 consecutive T bases (chr7:124,870,994-124,870,995); duplicating either gives the same sequence. VCF-style (leftmost placement, unchanged base first): chr7-124870993-G-GT. GRCh37 (hg19) VCF-style: chr7-124511047-G-GT.
Other names: c.-138-7354dup (NM_001042594.2); short protein forms T58fs.
Identifiers: ClinVar variation 4731219 (VCV004731219.1).

ClinVar aggregate classification (germline): Pathogenic (1 of 4 stars; one submission).

Conditions:
Tumor predisposition syndrome 3 (TPDS3). Also called: Melanoma, cutaneous malignant, susceptibility to, 10; Glioma susceptibility 9; LONG TELOMERE SYNDROME, POT1-RELATED; POT1 Tumor Predisposition. Identifiers: Orphanet 618, MedGen C4014476, MONDO:0014368, OMIM 615848.

Submission:

Labcorp Genetics (formerly Invitae), Labcorp
Classification: Pathogenic for Tumor predisposition syndrome 3. Last evaluated: 2025-12-08. Review status: criteria provided, single submitter. Criteria: Invitae Variant Classification Sherloc (09022015). Collection method: clinical testing. Allele origin: germline.
Comment: This sequence change creates a premature translational stop signal (p.Thr58Asnfs*6) in the POT1 gene. It is expected to result in an absent or disrupted protein product. Loss-of-function variants in POT1 are known to be pathogenic (PMID: 32155570). This variant is not present in population databases (gnomAD no frequency). This variant has not been reported in the literature in individuals affected with POT1-related conditions. Algorithms developed to predict the effect of sequence changes on RNA splicing suggest that this variant may disrupt the consensus splice site. For these reasons, this variant has been classified as Pathogenic.

Literature cited by the submitters: PubMed 32155570.